The following is an entry in ClinVar:

NM_001844.5(COL2A1):c.2381C>T (p.Pro794Leu)

Gene: COL2A1 (collagen type II alpha 1 chain; minus strand). Cytogenetic location: 12q13.11.
Variant type: single nucleotide variant.
Coding change: c.2381C>T on transcript NM_001844.5 (MANE Select); coding-DNA position 2381, C replaced by T.
Protein change: p.Pro794Leu; replaces proline 794 with leucine.
Molecular consequence: missense variant.
Genome position (GRCh38, 1-based): chr12:47,981,804, G>A on the plus strand (C>T on the coding strand, the complement: COL2A1 is on the minus strand). VCF-style: chr12-47981804-G-A. GRCh37 (hg19) VCF-style: chr12-48375587-G-A.
Other names: c.2174C>T, p.Pro725Leu (NM_033150.3); c.2381C>T (NM_001844.4); short protein forms P725L, P794L.
Identifiers: ClinVar variation 1937068 (VCV001937068.7), dbSNP rs1170957923, ClinGen allele CA384545486.

ClinVar aggregate classification (germline): Uncertain significance. Review status: criteria provided, multiple submitters, no conflicts (2 of 4 stars). 3 submissions from 3 submitters: Uncertain significance (3). Last evaluated 2025-07-28.

Conditions:
COL2A1-related disorder. Also called: COL2A1-related condition; COL2A1-related disorders.

Allele frequency attached by ClinVar (database versions not stated): TOPMed below 0.00001.

Submissions (3):

PreventionGenetics, part of Exact Sciences
Classification: Uncertain significance for COL2A1-related condition. Last evaluated: 2025-07-28. Review status: criteria provided, single submitter. Criteria: ACMG Guidelines, 2015. Collection method: clinical testing. Allele origin: germline.
Comment: The COL2A1 c.2381C>T variant is predicted to result in the amino acid substitution p.Pro794Leu. To our knowledge, this variant has not been reported in the literature or in a large population database (gnomAD), indicating this variant is rare. At this time, the clinical significance of this variant is uncertain due to the absence of conclusive functional and genetic evidence.

Labcorp Genetics (formerly Invitae), Labcorp
Classification: Uncertain significance. Last evaluated: 2022-10-07. Review status: criteria provided, single submitter. Criteria: Invitae Variant Classification Sherloc (09022015). Collection method: clinical testing. Allele origin: germline.
Comment: This sequence change replaces proline, which is neutral and non-polar, with leucine, which is neutral and non-polar, at codon 794 of the COL2A1 protein (p.Pro794Leu). This variant is not present in population databases (gnomAD no frequency). This variant has not been reported in the literature in individuals affected with COL2A1-related conditions. Advanced modeling of protein sequence and biophysical properties (such as structural, functional, and spatial information, amino acid conservation, physicochemical variation, residue mobility, and thermodynamic stability) performed at Invitae indicates that this missense variant is not expected to disrupt COL2A1 protein function. In summary, the available evidence is currently insufficient to determine the role of this variant in disease. Therefore, it has been classified as a Variant of Uncertain Significance.

Blueprint Genetics
Classification: Uncertain significance. Last evaluated: 2019-09-27. Review status: criteria provided, single submitter. Criteria: ACMG Guidelines, 2015. Collection method: clinical testing. Allele origin: germline.